The following is an entry in ClinVar:

ClinVar aggregate classification (germline): Likely benign (1 of 4 stars; one submission).

Allele frequency attached by ClinVar (database versions not stated): TOPMed 0.00011; gnomAD 0.00013; ExAC 0.00019.

Submission:

CeGaT Center for Human Genetics Tuebingen
Classification: Likely benign. Last evaluated: 2024-02-01. Review status: criteria provided, single submitter. Criteria: CeGaT Center For Human Genetics Tuebingen Variant Classification Criteria Version 2. Collection method: clinical testing. Allele origin: germline. Affected: yes. Observed: 1 variant allele.
Comment: ACTRT1: BP4, BP7, BS2

NM_138289.4(ACTRT1):c.954G>T (p.Val318=)

Gene: ACTRT1 (actin related protein T1; minus strand). Cytogenetic location: Xq25.
Variant type: single nucleotide variant.
Coding change: c.954G>T on transcript NM_138289.4 (MANE Select); coding-DNA position 954, G replaced by T.
Protein change: p.Val318=; no amino-acid change (valine 318 retained).
Molecular consequence: synonymous variant.
Genome position (GRCh38, 1-based): chrX:128,051,253, C>A on the plus strand (G>T on the coding strand, the complement: ACTRT1 is on the minus strand). VCF-style: chrX-128051253-C-A. GRCh37 (hg19) VCF-style: chrX-127185232-C-A.
Identifiers: ClinVar variation 2661385 (VCV002661385.24), dbSNP rs763528109, ClinGen allele CA10511198.
Genomic context (GRCh38, chrX:128,051,253, plus strand): 5'-GAAGCATCTATCAGGAGAAGCTGTGATCTTGATGGGAGTACCTTTGGAAGCCAGCTGTTC[C>A]ACTTCCTTCATGAGCCTTTCCTCCAGCCCAGGGAGGAGAGTGGTGCCCCCGGAGAGTACA-3'
Protein context (NP_612146.1, residues 308-328): PGLEERLMKE[Val318=]EQLASKGTPI